The following is an entry in ClinVar:

NM_006734.4(HIVEP2):c.1040C>T (p.Pro347Leu)

Gene: HIVEP2 (HIVEP zinc finger 2; minus strand). Cytogenetic location: 6q24.2.
Variant type: single nucleotide variant.
Coding change: c.1040C>T on transcript NM_006734.4 (MANE Select); coding-DNA position 1040, C replaced by T.
Protein change: p.Pro347Leu; replaces proline 347 with leucine.
Molecular consequence: missense variant.
Genome position (GRCh38, 1-based): chr6:142,773,699, G>A on the plus strand (C>T on the coding strand, the complement: HIVEP2 is on the minus strand). VCF-style: chr6-142773699-G-A. GRCh37 (hg19) VCF-style: chr6-143094836-G-A.
Other names: c.1040C>T, p.Pro347Leu (NM_001438449.1, NM_001438450.1, NM_001438451.1); short protein forms P347L.
Identifiers: ClinVar variation 4780814 (VCV004780814.1).
Genomic context (GRCh38, chr6:142,773,699, plus strand): 5'-TGTTTGACTGTGTGCGAATCATCAGCCTTAGTATTTAAAGATGGATTTGGTAGCATATCA[G>A]GGCCAATATACTGAGAGCTTTCATTAGGGAGAGGAATCCCACTTTTAGGGATAATCAAAA-3'
Protein context (NP_006725.3, residues 337-357): LPNESSQYIG[Pro347Leu]DMLPNPSLNT

ClinVar aggregate classification (germline): Uncertain significance (1 of 4 stars; one submission).

Submission:

Labcorp Genetics (formerly Invitae), Labcorp
Classification: Uncertain significance. Last evaluated: 2025-06-03. Review status: criteria provided, single submitter. Criteria: Invitae Variant Classification Sherloc (09022015). Collection method: clinical testing. Allele origin: germline.
Comment: This sequence change replaces proline, which is neutral and non-polar, with leucine, which is neutral and non-polar, at codon 347 of the HIVEP2 protein (p.Pro347Leu). This variant is not present in population databases (gnomAD no frequency). This variant has not been reported in the literature in individuals affected with HIVEP2-related conditions. Invitae Evidence Modeling of protein sequence and biophysical properties (such as structural, functional, and spatial information, amino acid conservation, physicochemical variation, residue mobility, and thermodynamic stability) indicates that this missense variant is not expected to disrupt HIVEP2 protein function with a negative predictive value of 80%. In summary, the available evidence is currently insufficient to determine the role of this variant in disease. Therefore, it has been classified as a Variant of Uncertain Significance.